The following is an entry in ClinVar:

ClinVar aggregate classification (germline): Benign/Likely benign. Review status: criteria provided, multiple submitters, no conflicts (2 of 4 stars). 2 submissions from 2 submitters: Benign (1); Likely benign (1). Last evaluated 2026-06-23.

Conditions:
Hereditary cancer-predisposing syndrome. Also called: Neoplastic Syndromes, Hereditary; Tumor predisposition; Hereditary neoplastic syndrome; Hereditary Cancer Syndrome. Identifiers: Orphanet 140162, MedGen C0027672, MeSH D009386, MONDO:0015356.
Retinoblastoma (RB1). Also called: RETINOBLASTOMA, SOMATIC. Identifiers: Orphanet 790, MedGen C0035335, MeSH D012175, MONDO:0008380, OMIM 180200, HP:0009919. Disease mechanism: loss of function. Inheritance: Both sporadic and heritable forms are tested..

Submissions (2):

Myriad Genetics, Inc.
Classification: Benign for Retinoblastoma. Last evaluated: 2026-06-23. Review status: criteria provided, single submitter. Criteria: Myriad Autosomal Dominant, Autosomal Recessive and X-Linked Classification Criteria (2023). Collection method: clinical testing. Allele origin: unknown.
Comment: This variant is considered benign. This variant is a silent/synonymous amino acid change and it is not expected to impact splicing.

Ambry Genetics
Classification: Likely benign for Hereditary cancer-predisposing syndrome. Last evaluated: 2021-03-07. Review status: criteria provided, single submitter. Criteria: Ambry Variant Classification Scheme 2023. Collection method: clinical testing. Allele origin: germline.

NM_000321.3(RB1):c.36C>A (p.Thr12=)

Gene: RB1 (RB transcriptional corepressor 1; plus strand). Cytogenetic location: 13q14.2.
Variant type: single nucleotide variant.
Coding change: c.36C>A on transcript NM_000321.3 (MANE Select); coding-DNA position 36, C replaced by A.
Protein change: p.Thr12=; no amino-acid change (threonine 12 retained).
Molecular consequence: synonymous variant.
Genome position (GRCh38, 1-based): chr13:48,303,948, C>A. VCF-style: chr13-48303948-C-A. GRCh37 (hg19) VCF-style: chr13-48878084-C-A.
Other names: c.36C>A, p.Thr12= (NM_001407165.1, NM_001407166.1, NM_001407167.1).
Identifiers: ClinVar variation 1734064 (VCV001734064.3), dbSNP rs779180897, ClinGen allele CA483711588.
Genomic context (GRCh38, chr13:48,303,948, plus strand): 5'-CTGGCTCCCGCCGCGGAAAGGCGTCATGCCGCCCAAAACCCCCCGAAAAACGGCCGCCAC[C>A]GCCGCCGCTGCCGCCGCGGAACCCCCGGCACCGCCGCCGCCGCCCCCTCCTGAGGAGGAC-3'
Protein context (NP_000312.2, residues 2-22): PPKTPRKTAA[Thr12=]AAAAAAEPPA